The following is an entry in ClinVar:

ClinVar aggregate classification (germline): Likely benign (1 of 4 stars; one submission).

Conditions:
ABCB4-related disorder. Also called: ABCB4-related disorders; ABCB4-related condition.

Submission:

PreventionGenetics, part of Exact Sciences
Classification: Likely benign for ABCB4-related condition. Last evaluated: 2026-03-03. Review status: criteria provided, single submitter. Criteria: ACMG Guidelines, 2015. Collection method: clinical testing. Allele origin: germline.
Comment: This variant is classified as likely benign based on ACMG/AMP sequence variant interpretation guidelines (Richards et al. 2015 PMID: 25741868, with internal and published modifications).

NM_000443.4(ABCB4):c.3216C>T (p.Gly1072=)

Gene: ABCB4 (ATP binding cassette subfamily B member 4; minus strand). Cytogenetic location: 7q21.12.
Variant type: single nucleotide variant.
Coding change: c.3216C>T on transcript NM_000443.4 (MANE Select); coding-DNA position 3216, C replaced by T.
Protein change: p.Gly1072=; no amino-acid change (glycine 1072 retained).
Molecular consequence: synonymous variant.
Genome position (GRCh38, 1-based): chr7:87,408,100, G>A on the plus strand (C>T on the coding strand, the complement: ABCB4 is on the minus strand). VCF-style: chr7-87408100-G-A. GRCh37 (hg19) VCF-style: chr7-87037416-G-A.
Other names: c.3216C>T, p.Gly1072= (NM_018849.3); c.3075C>T, p.Gly1025= (NM_018850.3).
Identifiers: ClinVar variation 4991098 (VCV004991098.1).